The following is an entry in ClinVar:

ClinVar aggregate classification (germline): Uncertain significance (1 of 4 stars; one submission).

Conditions:
Hereditary cancer-predisposing syndrome. Also called: Neoplastic Syndromes, Hereditary; Tumor predisposition; Hereditary neoplastic syndrome; Hereditary Cancer Syndrome. Identifiers: Orphanet 140162, MedGen C0027672, MeSH D009386, MONDO:0015356.

Submission:

Ambry Genetics
Classification: Uncertain significance for Hereditary cancer-predisposing syndrome. Last evaluated: 2024-02-24. Review status: criteria provided, single submitter. Criteria: Ambry Variant Classification Scheme 2023. Collection method: clinical testing. Allele origin: germline.
Comment: The p.N265Y variant (also known as c.793A>T), located in coding exon 7 of the PMS2 gene, results from an A to T substitution at nucleotide position 793. The asparagine at codon 265 is replaced by tyrosine, an amino acid with dissimilar properties. This amino acid position is conserved. In addition, the in silico prediction for this alteration is inconclusive. Based on the available evidence, the clinical significance of this alteration remains unclear.

NM_000535.7(PMS2):c.793A>T (p.Asn265Tyr)

Gene: PMS2 (PMS1 homolog 2, mismatch repair system component; minus strand). Cytogenetic location: 7p22.1.
Variant type: single nucleotide variant.
Coding change: c.793A>T on transcript NM_000535.7 (MANE Select); coding-DNA position 793, A replaced by T.
Protein change: p.Asn265Tyr; replaces asparagine 265 with tyrosine.
Molecular consequence: missense variant. On other transcripts: 5 prime UTR variant (2), non-coding transcript variant (1), intron variant (3).
Genome position (GRCh38, 1-based): chr7:5,997,336, T>A on the plus strand (A>T on the coding strand, the complement: PMS2 is on the minus strand). VCF-style: chr7-5997336-T-A. GRCh37 (hg19) VCF-style: chr7-6036967-T-A.
Other names: c.475A>T, p.Asn159Tyr (NM_001406883.1, NM_001322007.2, NM_001322008.2 and 4 more transcripts); c.484A>T, p.Asn162Tyr (NM_001406881.1, NM_001406882.1, NM_001406880.1 and 6 more transcripts); c.388A>T, p.Asn130Tyr (NM_001018040.1, NM_001322003.2, NM_001322004.2 and 20 more transcripts); c.793A>T, p.Asn265Tyr (NM_001322006.2, NM_001322014.2, NM_001406870.1 and 3 more transcripts); c.-141A>T (NM_001322011.2, NM_001322012.2); c.220A>T, p.Asn74Tyr (NM_001322013.2, NM_001406909.1); c.979A>T, p.Asn327Tyr (NM_001406866.1); c.817A>T, p.Asn273Tyr (NM_001406868.1); and 7 more; short protein forms N130Y, N153Y, N159Y, N162Y, N209Y, N229Y, N265Y, N273Y.
Identifiers: ClinVar variation 3232036 (VCV003232036.1), dbSNP rs1241742968, ClinGen allele CA366743622.
Genomic context (GRCh38, chr7:5,997,336, plus strand): 5'-TCTCAGGATAAAATGTTCAATTGTAGTTCTCTTGCCAGCAATCTACTTACTAAAAAAGAT[T>A]ATGCAGAGCATCGGAACAGCTCAAACCGTACTCTTCACACACGGAGTCACTAGGGGGCAG-3'
Protein context (NP_000526.2, residues 255-275): YGLSCSDALH[Asn265Tyr]LFYISGFISQ